The following is an entry in ClinVar:

NM_001127198.5(TMC6):c.1481_1482delinsGT (p.Ala494Gly)

Gene: TMC6 (transmembrane channel like 6; minus strand). Cytogenetic location: 17q25.3.
Variant type: Indel.
Coding change: c.1481_1482delinsGT on transcript NM_001127198.5 (MANE Select); coding-DNA positions 1481 to 1482, CC replaced by GT.
Protein change: p.Ala494Gly; replaces alanine 494 with glycine.
Molecular consequence: missense variant. On other transcripts: non-coding transcript variant (4).
Genome position (GRCh38, 1-based): chr17:78,121,066-78,121,067, GG replaced by AC on the plus strand (CC replaced by GT on the coding strand, the reverse complement: TMC6 is on the minus strand). VCF-style: chr17-78121066-GG-AC. GRCh37 (hg19) VCF-style: chr17-76117147-GG-AC.
Other names: c.1481_1482delinsGT, p.Ala494Gly (NM_001321185.1, NM_001374593.1, NM_001374594.1 and 4 more transcripts); short protein forms A494G.
Identifiers: ClinVar variation 2114221 (VCV002114221.4), dbSNP rs2510487592, ClinGen allele CA2580095245.

ClinVar aggregate classification (germline): Uncertain significance (1 of 4 stars; one submission).

Conditions:
Epidermodysplasia verruciformis. Identifiers: Orphanet 302, MedGen C0014522, MONDO:0009176.

Submission:

Labcorp Genetics (formerly Invitae), Labcorp
Classification: Uncertain significance for Epidermodysplasia verruciformis. Last evaluated: 2022-03-19. Review status: criteria provided, single submitter. Criteria: Invitae Variant Classification Sherloc (09022015). Collection method: clinical testing. Allele origin: germline.
Comment: In summary, the available evidence is currently insufficient to determine the role of this variant in disease. Therefore, it has been classified as a Variant of Uncertain Significance. Algorithms developed to predict the effect of missense changes on protein structure and function are either unavailable or do not agree on the potential impact of this missense change (SIFT: "Not Available"; PolyPhen-2: "Probably Damaging"; Align-GVGD: "Not Available"). This variant has not been reported in the literature in individuals affected with TMC6-related conditions. Information on the frequency of this variant in the gnomAD database is not available, as this variant may be reported differently in the database. This sequence change replaces alanine, which is neutral and non-polar, with glycine, which is neutral and non-polar, at codon 494 of the TMC6 protein (p.Ala494Gly).